The following is an entry in ClinVar:

ClinVar aggregate classification (germline): Uncertain significance (1 of 4 stars; one submission).

Conditions:
Hereditary cancer-predisposing syndrome. Also called: Neoplastic Syndromes, Hereditary; Tumor predisposition; Hereditary neoplastic syndrome; Hereditary Cancer Syndrome. Identifiers: Orphanet 140162, MedGen C0027672, MeSH D009386, MONDO:0015356.

gnomAD v4.1: 3 of 1,613,388 alleles (0.00019%); highest among the groups gnomAD compares: Non-Finnish European, 0.00025%; no homozygotes.

Submission:

Ambry Genetics
Classification: Uncertain significance for Hereditary cancer-predisposing syndrome. Last evaluated: 2026-07-07. Review status: criteria provided, single submitter. Criteria: Ambry Variant Classification Scheme 2023. Collection method: clinical testing. Allele origin: germline.
Comment: The p.T180A variant (also known as c.538A>G), located in coding exon 6 of the NF2 gene, results from an A to G substitution at nucleotide position 538. The threonine at codon 180 is replaced by alanine, an amino acid with similar properties. This amino acid position is conserved. In addition, this alteration is predicted to be deleterious by in silico analysis. Based on the available evidence, the clinical significance of this variant remains unclear.

NM_000268.4(NF2):c.538A>G (p.Thr180Ala)

Gene: NF2 (NF2, moesin-ezrin-radixin like (MERLIN) tumor suppressor; plus strand). Cytogenetic location: 22q12.2.
Variant type: single nucleotide variant.
Coding change: c.538A>G on transcript NM_000268.4 (MANE Select); coding-DNA position 538, A replaced by G.
Protein change: p.Thr180Ala; replaces threonine 180 with alanine.
Molecular consequence: missense variant. On other transcripts: intron variant (1).
Genome position (GRCh38, 1-based): chr22:29,655,615, A>G. VCF-style: chr22-29655615-A-G. GRCh37 (hg19) VCF-style: chr22-30051604-A-G.
Other names: c.424A>G, p.Thr142Ala (NM_001407053.1, NM_001407056.1); c.415A>G, p.Thr139Ala (NM_001407054.1, NM_001407058.1, NM_001407062.1 and 1 more transcripts); c.412A>G, p.Thr138Ala (NM_001407055.1, NM_181828.3); c.538A>G, p.Thr180Ala (NM_001407057.1, NM_001407059.1, NM_001407060.1 and 4 more transcripts); c.289A>G, p.Thr97Ala (NM_001407063.1, NM_001407064.1, NM_181830.3 and 1 more transcripts); c.4A>G, p.Thr2Ala (NM_001407065.1); c.307A>G, p.Thr103Ala (NM_001407067.1); c.447+13330A>G (NM_181833.3); short protein forms T103A, T142A, T97A, T138A, T2A, T139A, T180A.
Identifiers: ClinVar variation 5025700 (VCV005025700.1).